The following is an entry in ClinVar:

NM_000492.4(CFTR):c.3637A>G (p.Lys1213Glu)

Genes: CFTR (CF transmembrane conductance regulator; plus strand), CFTR-AS2 (CFTR antisense RNA 2; minus strand). Cytogenetic location: 7q31.2.
Variant type: single nucleotide variant.
Coding change: c.3637A>G on transcript NM_000492.4 (MANE Select); coding-DNA position 3637, A replaced by G.
Protein change: p.Lys1213Glu; replaces lysine 1213 with glutamic acid.
Molecular consequence: missense variant.
Genome position (GRCh38, 1-based): chr7:117,627,690, A>G. VCF-style: chr7-117627690-A-G. GRCh37 (hg19) VCF-style: chr7-117267744-A-G.
Other names: short protein forms K1213E.
Identifiers: ClinVar variation 1733456 (VCV001733456.2), dbSNP rs1266135988, ClinGen allele CA368997282.

ClinVar aggregate classification (germline): Uncertain significance (1 of 4 stars; one submission).

Conditions:
Cystic fibrosis (CF). Also called: MUCOVISCIDOSIS. Identifiers: Orphanet 586, MedGen C0010674, MONDO:0009061, OMIM 219700. Disease mechanism: loss of function.

Submission:

Ambry Genetics
Classification: Uncertain significance for Cystic fibrosis. Last evaluated: 2022-04-08. Review status: criteria provided, single submitter. Criteria: Ambry Variant Classification Scheme 2023. Collection method: clinical testing. Allele origin: germline.
Comment: The p.K1213E variant (also known as c.3637A>G), located in coding exon 22 of the CFTR gene, results from an A to G substitution at nucleotide position 3637. The lysine at codon 1213 is replaced by glutamic acid, an amino acid with similar properties. This amino acid position is conserved. In addition, the in silico prediction for this alteration is inconclusive. Since supporting evidence is limited at this time, the clinical significance of this alteration remains unclear.